The following is an entry in ClinVar:

ClinVar aggregate classification (germline): Conflicting classifications of pathogenicity. Review status: criteria provided, conflicting classifications (1 of 4 stars). 11 submissions from 11 submitters: Uncertain significance (6); Likely benign (1). 4 of the submissions do not count toward it. Last evaluated 2026-06-10.

Conditions:
Juvenile polyposis syndrome (JPS). Identifiers: Orphanet 2929, MedGen C0345893, MONDO:0017380, OMIM 174900.
Hereditary cancer-predisposing syndrome. Also called: Neoplastic Syndromes, Hereditary; Tumor predisposition; Hereditary neoplastic syndrome; Hereditary Cancer Syndrome. Identifiers: Orphanet 140162, MedGen C0027672, MeSH D009386, MONDO:0015356.
Familial thoracic aortic aneurysm and aortic dissection (TAAD). Also called: Thoracic aortic aneurysms and dissections. Identifiers: Orphanet 91387, MedGen C4707243, MONDO:0019625.
Juvenile polyposis/hereditary hemorrhagic telangiectasia syndrome (JPHT). Also called: POLYPOSIS, GENERALIZED JUVENILE, WITH PULMONARY ARTERIOVENOUS MALFORMATION; TELANGIECTASIA, HEREDITARY HEMORRHAGIC, WITH JUVENILE POLYPOSIS COLI; JP/HHT SYNDROME; JUVENILE POLYPOSIS WITH HEREDITARY HEMORRHAGIC TELANGIECTASIA; Juvenile Polyposis Syndrome / Hereditary Hemorrhagic Telangiectasia (JPS/HHT). Identifiers: Orphanet 2929, MedGen C1832942, MONDO:0008278, OMIM 175050.
Pulmonary hypertension, primary, 1 (PPH1). Also called: Pulmonary hypertension, familial primary, 1, with or without HHT. Identifiers: Orphanet 422, MedGen C4552070, MONDO:0024533, OMIM 178600.

Allele frequency attached by ClinVar (database versions not stated): ExAC 0.00002; gnomAD exomes below 0.00001 and 0.00001; TOPMed below 0.00001.
gnomAD v4.1: 6 of 1,613,892 alleles (0.00037%); highest among the groups gnomAD compares: Non-Finnish European, 0.00051%; no homozygotes.

Submissions (11):

Women's Health and Genetics/Laboratory Corporation of America, LabCorp
Classification: Uncertain significance. Last evaluated: 2026-06-10. Review status: criteria provided, single submitter. Criteria: LabCorp Variant Classification Summary - May 2015. Collection method: clinical testing. Allele origin: germline.
Comment: Variant summary: SMAD4 c.38A>G (p.Asn13Ser) results in a conservative amino acid change in the encoded protein sequence. Algorithms developed to predict the effect of missense changes on protein structure and function are either unavailable or do not agree on the potential impact of this missense change. The variant allele was found at a frequency of 1.2e-05 in 254502 control chromosomes (gnomAD and publication data), including 1 homozygote. The available data on variant occurrences in the general population are insufficient to allow any conclusion about variant significance. To our knowledge, no occurrence of c.38A>G in individuals affected with Juvenile Polyposis Syndrome have been reported. Publications report experimental evidence evaluating an impact on protein function. These results showed no damaging effect for the variant on protein stability, subcellular localization, signaling activity and interactions with Smad3, Lmo4, Rassf5, and Smad9 (Nasim 2011, Wei 2014, Fragoza_2019). The following publications have been ascertained in the context of this evaluation (PMID: 21898662, 25502805, 31515488). ClinVar contains an entry for this variant (Variation ID: 68788). Based on the evidence outlined above, the variant was classified as uncertain significance.

Labcorp Genetics (formerly Invitae), Labcorp
Classification: Uncertain significance for Juvenile polyposis syndrome. Last evaluated: 2025-09-06. Review status: criteria provided, single submitter. Criteria: Invitae Variant Classification Sherloc (09022015). Collection method: clinical testing. Allele origin: germline.
Comment: This sequence change replaces asparagine, which is neutral and polar, with serine, which is neutral and polar, at codon 13 of the SMAD4 protein (p.Asn13Ser). This variant is present in population databases (rs281875323, gnomAD 0.0009%). This missense change has been observed in individual(s) with pulmonary arterial hypertension (PMID: 21898662). ClinVar contains an entry for this variant (Variation ID: 68788). Invitae Evidence Modeling of protein sequence and biophysical properties (such as structural, functional, and spatial information, amino acid conservation, physicochemical variation, residue mobility, and thermodynamic stability) has been performed for this missense variant. However, the output from this modeling did not meet the statistical confidence thresholds required to predict the impact of this variant on SMAD4 protein function. Experimental studies have shown that this missense change does not substantially affect SMAD4 function (PMID: 21898662, 25502805, 31515488). In summary, the available evidence is currently insufficient to determine the role of this variant in disease. Therefore, it has been classified as a Variant of Uncertain Significance.

Color Diagnostics, LLC DBA Color Health
Classification: Uncertain significance for Hereditary cancer-predisposing syndrome. Last evaluated: 2025-02-17. Review status: criteria provided, single submitter. Criteria: ACMG Guidelines, 2015. Collection method: clinical testing. Allele origin: germline.
Comment: This missense variant replaces asparagine with serine at codon 13 of the SMAD4 protein. Computational prediction suggests that this variant may not impact protein structure and function. Protein interaction studies have shown this variant to behave like wild-type for binding to SMAD3 and SMAD9 (PMID: 25502805, 31515488). This variant has not been reported in individuals affected with SMAD4-related disorders in the literature. This variant has been identified in 3/251334 chromosomes in the general population by the Genome Aggregation Database (gnomAD). The available evidence is insufficient to determine the role of this variant in disease conclusively. Therefore, this variant is classified as a Variant of Uncertain Significance.

Baylor Genetics
Classification: Uncertain significance for Juvenile polyposis/hereditary hemorrhagic telangiectasia syndrome. Last evaluated: 2024-02-29. Review status: criteria provided, single submitter. Criteria: ACMG Guidelines, 2015. Collection method: clinical testing. Allele origin: unknown.

GeneDx
Classification: Uncertain significance. Last evaluated: 2023-07-21. Review status: criteria provided, single submitter. Criteria: GeneDx Variant Classification Process June 2021. Collection method: clinical testing. Allele origin: germline. Affected: yes.
Comment: Not observed at significant frequency in large population cohorts (gnomAD); In silico analysis supports that this missense variant does not alter protein structure/function; Published functional studies suggest no damaging effect: did not impact SMAD-mediated signaling or interaction with Lmo4, Rassf5 and Smad9 (Nasim et al., 2011; Wei et al., 2014); Reported in an individual with idiopathic pulmonary arterial hypertension and in 1/62 healthy East Asian individuals undergoing whole genome sequencing (Nasim et al., 2011; Bodian et al., 2014); This variant is associated with the following publications: (PMID: 25502805, 26387786, 21898662, 30084161, 24728327, 31515488)

Myriad Genetics, Inc.
Classification: Uncertain significance for Juvenile polyposis/hereditary hemorrhagic telangiectasia syndrome. Last evaluated: 2023-04-10. Review status: criteria provided, single submitter. Criteria: Myriad Autosomal Dominant, Autosomal Recessive and X-Linked Classification Criteria (2023). Collection method: clinical testing. Allele origin: unknown.
Comment: This variant is classified as a variant of uncertain significance as there is insufficient evidence to determine its impact on protein function and/or cancer risk.

Ambry Genetics
Classification: Likely benign for Hereditary cancer-predisposing syndrome; Familial thoracic aortic aneurysm and aortic dissection. Last evaluated: 2022-08-02. Review status: criteria provided, single submitter. Criteria: Ambry Variant Classification Scheme 2023. Collection method: clinical testing. Allele origin: germline.

Counsyl
Classification: Uncertain significance for Juvenile polyposis syndrome. Last evaluated: 2017-06-23. Review status: no assertion criteria provided. Collection method: clinical testing. Allele origin: unknown. Not counted in ClinVar's aggregate classification.

ITMI
No classification provided. Condition: AllHighlyPenetrant. Last evaluated: 2013-09-19. Review status: no classification provided. Collection method: reference population. Allele origin: germline. Not counted in ClinVar's aggregate classification.
Comment: Please see associated publication for description of ethnicities

Rare Disease Genomics Group, St George's University of London
Classification: Uncertain significance for Primary pulmonary hypertension. Review status: no assertion criteria provided. Collection method: literature only. Allele origin: germline. Affected: yes. Not counted in ClinVar's aggregate classification.

UniProtKB/Swiss-Prot
No classification provided. Review status: no classification provided. Collection method: not provided. Allele origin: not provided. Not counted in ClinVar's aggregate classification.

Literature cited by the submitters: PubMed 21898662 (cited by 4 submitters); PubMed 25502805 (cited by 4 submitters); PubMed 31515488 (cited by 3 submitters); PubMed 24728327 (cited by Counsyl and ITMI).

NM_005359.6(SMAD4):c.38A>G (p.Asn13Ser)

Gene: SMAD4 (SMAD family member 4; plus strand). Cytogenetic location: 18q21.2.
Variant type: single nucleotide variant.
Coding change: c.38A>G on transcript NM_005359.6 (MANE Select); coding-DNA position 38, A replaced by G.
Protein change: p.Asn13Ser; replaces asparagine 13 with serine.
Molecular consequence: missense variant.
Genome position (GRCh38, 1-based): chr18:51,047,084, A>G. VCF-style: chr18-51047084-A-G. GRCh37 (hg19) VCF-style: chr18-48573454-A-G.
Other names: NP_005350.1:p.N13S; short protein forms N13S.
Identifiers: ClinVar variation 68788 (VCV000068788.23), dbSNP rs281875323, ClinGen allele CA162125.